The following is an entry in ClinVar:

NM_000260.4(MYO7A):c.3424A>G (p.Met1142Val)

Gene: MYO7A (myosin VIIA; plus strand). Cytogenetic location: 11q13.5.
Variant type: single nucleotide variant.
Coding change: c.3424A>G on transcript NM_000260.4 (MANE Select); coding-DNA position 3424, A replaced by G.
Protein change: p.Met1142Val; replaces methionine 1142 with valine.
Molecular consequence: missense variant.
Genome position (GRCh38, 1-based): chr11:77,184,636, A>G. VCF-style: chr11-77184636-A-G. GRCh37 (hg19) VCF-style: chr11-76895681-A-G.
Other names: c.3424A>G, p.Met1142Val (NM_001127180.2); c.3391A>G, p.Met1131Val (NM_001369365.1); short protein forms M1131V, M1142V.
Identifiers: ClinVar variation 935680 (VCV000935680.10), dbSNP rs1955524216, ClinGen allele CA381945983.

ClinVar aggregate classification (germline): Uncertain significance. Review status: criteria provided, single submitter (1 of 4 stars). 2 submissions from 2 submitters: Uncertain significance (1). 1 of the submissions does not count toward it. Last evaluated 2019-09-03.

Conditions:
Usher syndrome type 1B (USH1B). Also called: Usher syndrome type IB. Identifiers: MedGen C1848638, MONDO:0700087.

Submissions (2):

Labcorp Genetics (formerly Invitae), Labcorp
Classification: Uncertain significance. Last evaluated: 2019-09-03. Review status: criteria provided, single submitter. Criteria: Invitae Variant Classification Sherloc (09022015). Collection method: clinical testing. Allele origin: germline.
Comment: In summary, the available evidence is currently insufficient to determine the role of this variant in disease. Therefore, it has been classified as a Variant of Uncertain Significance. Algorithms developed to predict the effect of missense changes on protein structure and function are either unavailable or do not agree on the potential impact of this missense change (SIFT: "Tolerated"; PolyPhen-2: "Probably Damaging"; Align-GVGD: "Class C0"). This variant has not been reported in the literature in individuals with MYO7A-related conditions. This variant is not present in population databases (ExAC no frequency). This sequence change replaces methionine with valine at codon 1142 of the MYO7A protein (p.Met1142Val). The methionine residue is highly conserved and there is a small physicochemical difference between methionine and valine.

Natera, Inc.
Classification: Uncertain significance for Usher syndrome type 1B. Last evaluated: 2025-04-17. Review status: no assertion criteria provided. Collection method: clinical testing. Allele origin: germline. Not counted in ClinVar's aggregate classification.